The following is an entry in ClinVar:

NM_005618.4(DLL1):c.2044A>G (p.Arg682Gly)

Genes: DLL1 (delta like canonical Notch ligand 1; minus strand), LOC126859913 (P300/CBP strongly-dependent group 1 enhancer GRCh37_chr6:170591232-170592431; plus strand). Cytogenetic location: 6q27.
Variant type: single nucleotide variant.
Coding change: c.2044A>G on transcript NM_005618.4 (MANE Select); coding-DNA position 2044, A replaced by G.
Protein change: p.Arg682Gly; replaces arginine 682 with glycine.
Molecular consequence: missense variant.
Genome position (GRCh38, 1-based): chr6:170,283,235, T>C on the plus strand (A>G on the coding strand, the complement: DLL1 is on the minus strand). VCF-style: chr6-170283235-T-C. GRCh37 (hg19) VCF-style: chr6-170592323-T-C.
Other names: short protein forms R682G.
Identifiers: ClinVar variation 3001663 (VCV003001663.3), dbSNP rs2483344896, ClinGen allele CA366506015.

ClinVar aggregate classification (germline): Uncertain significance (1 of 4 stars; one submission).

Allele frequency attached by ClinVar (database versions not stated): gnomAD exomes below 0.00001.
gnomAD v4.1: 4 of 1,612,684 alleles (0.00025%); highest among the groups gnomAD compares: Non-Finnish European, 0.00025%; no homozygotes.

Submission:

Labcorp Genetics (formerly Invitae), Labcorp
Classification: Uncertain significance. Last evaluated: 2025-03-05. Review status: criteria provided, single submitter. Criteria: Invitae Variant Classification Sherloc (09022015). Collection method: clinical testing. Allele origin: germline.
Comment: This sequence change replaces arginine, which is basic and polar, with glycine, which is neutral and non-polar, at codon 682 of the DLL1 protein (p.Arg682Gly). This variant is not present in population databases (gnomAD no frequency). This variant has not been reported in the literature in individuals affected with DLL1-related conditions. ClinVar contains an entry for this variant (Variation ID: 3001663). An algorithm developed to predict the effect of missense changes on protein structure and function (PolyPhen-2) suggests that this variant is likely to be tolerated. In summary, the available evidence is currently insufficient to determine the role of this variant in disease. Therefore, it has been classified as a Variant of Uncertain Significance.